The following is an entry in ClinVar:

NM_001710.6(CFB):c.728_732delinsGAGTC (p.Glu243_Gly244delinsGlyVal)

Gene: CFB (complement factor B; plus strand). Cytogenetic location: 6p21.33.
Variant type: Indel.
Coding change: c.728_732delinsGAGTC on transcript NM_001710.6 (MANE Select); coding-DNA positions 728 to 732, AAGGA replaced by GAGTC.
Protein change: p.Glu243_Gly244delinsGlyVal.
Molecular consequence: missense variant.
Genome position (GRCh38, 1-based): chr6:31,947,811-31,947,815, AAGGA replaced by GAGTC. VCF-style: chr6-31947811-AAGGA-GAGTC. GRCh37 (hg19) VCF-style: chr6-31915588-AAGGA-GAGTC.
Identifiers: ClinVar variation 4775747 (VCV004775747.1).
Genomic context (GRCh38, chr6:31,947,811, plus strand): 5'-TGTACGACACCCCTCAAGAGGTGGCCGAAGCTTTCCTGTCTTCCCTGACAGAGACCATAG[AAGGA>GAGTC]GTCGATGCTGAGGATGGGCACGGCCCAGGTTTGAAGACAGAGAAGGGAGGCAGGGCAGGG-3'

ClinVar aggregate classification (germline): Uncertain significance (1 of 4 stars; one submission).

Submission:

Labcorp Genetics (formerly Invitae), Labcorp
Classification: Uncertain significance. Last evaluated: 2020-11-05. Review status: criteria provided, single submitter. Criteria: Invitae Variant Classification Sherloc (09022015). Collection method: clinical testing. Allele origin: germline.
Comment: In summary, the available evidence is currently insufficient to determine the role of this variant in disease. Therefore, it has been classified as a Variant of Uncertain Significance. This variant has not been reported in the literature in individuals with CFB-related conditions. Algorithms developed to predict the effect of missense changes on protein structure and function are either unavailable or do not agree on the potential impact of this missense change (SIFT: "Deleterious"; PolyPhen-2: "Benign"; Align-GVGD: "Class C0"). This variant, c.728_732delinsGAGTC , is a complex sequence change that results in the deletion of 2 and insertion of 2 amino acid(s) in the CFB protein (p.Glu243_Gly244delinsGlyVal). This variant is not present in population databases (ExAC no frequency).